The following is an entry in ClinVar:

ClinVar aggregate classification (germline): Uncertain significance (1 of 4 stars; one submission).

Conditions:
Immunodeficiency 18 (IMD18). Also called: CD3-EPSILON DEFICIENCY; CD3epsilon deficiency. Identifiers: MedGen C3810127, MONDO:0014278, OMIM 615615.

Submission:

Labcorp Genetics (formerly Invitae), Labcorp
Classification: Uncertain significance for Immunodeficiency 18. Last evaluated: 2022-05-18. Review status: criteria provided, single submitter. Criteria: Invitae Variant Classification Sherloc (09022015). Collection method: clinical testing. Allele origin: germline.
Comment: In summary, the available evidence is currently insufficient to determine the role of this variant in disease. Therefore, it has been classified as a Variant of Uncertain Significance. Algorithms developed to predict the effect of missense changes on protein structure and function are either unavailable or do not agree on the potential impact of this missense change (SIFT: "Tolerated"; PolyPhen-2: "Possibly Damaging"; Align-GVGD: "Class C0"). This variant has not been reported in the literature in individuals affected with CD3E-related conditions. This variant is not present in population databases (gnomAD no frequency). This sequence change replaces tryptophan, which is neutral and slightly polar, with glycine, which is neutral and non-polar, at codon 20 of the CD3E protein (p.Trp20Gly).

NM_000733.4(CD3E):c.58T>G (p.Trp20Gly)

Gene: CD3E (CD3 epsilon subunit of T-cell receptor complex; plus strand). Cytogenetic location: 11q23.3.
Variant type: single nucleotide variant.
Coding change: c.58T>G on transcript NM_000733.4 (MANE Select); coding-DNA position 58, T replaced by G.
Protein change: p.Trp20Gly; replaces tryptophan 20 with glycine.
Molecular consequence: missense variant.
Genome position (GRCh38, 1-based): chr11:118,307,296, T>G. VCF-style: chr11-118307296-T-G. GRCh37 (hg19) VCF-style: chr11-118178011-T-G.
Other names: short protein forms W20G.
Identifiers: ClinVar variation 2110085 (VCV002110085.4), dbSNP rs2496826882, ClinGen allele CA382779997.